The following is an entry in ClinVar:

NM_000218.3(KCNQ1):c.1393+27378del

Genes: KCNQ1 (potassium voltage-gated channel subfamily Q member 1; plus strand), KCNQ1OT1 (KCNQ1 opposite strand/antisense transcript 1; minus strand). Cytogenetic location: 11p15.5.
Variant type: Deletion.
Coding change: c.1393+27378del on transcript NM_000218.3 (MANE Select); 27378 bases into the intron after coding-DNA position 1393, one base deleted (T; older notation c.1393+27378delT).
Molecular consequence: intron variant. On other transcripts: non-coding transcript variant (1).
Genome position (GRCh38, 1-based): chr11:2,616,232, T deleted; the last of 9 consecutive T bases (chr11:2,616,224-2,616,232); deleting any one gives the same sequence. VCF-style (leftmost placement, unchanged base first): chr11-2616223-GT-G. GRCh37 (hg19) VCF-style: chr11-2637453-GT-G.
Other names: c.1123+27378del (NM_001406837.1); c.1297+27378del (NM_001406836.1); c.853+27378del (NM_001406838.1); c.1012+27378del (NM_181798.2).
Identifiers: ClinVar variation 3026374 (VCV003026374.22), dbSNP rs138326980, ClinGen allele CA597432537.

ClinVar aggregate classification (germline): Benign (1 of 4 stars; one submission).

Submission:

CeGaT Center for Human Genetics Tuebingen
Classification: Benign. Last evaluated: 2024-02-01. Review status: criteria provided, single submitter. Criteria: CeGaT Center For Human Genetics Tuebingen Variant Classification Criteria Version 2. Collection method: clinical testing. Allele origin: germline. Affected: yes. Observed: 1 variant allele.
Comment: KCNQ1OT1: BS1, BS2